The following is an entry in ClinVar:

ClinVar aggregate classification (germline): Pathogenic. Review status: criteria provided, multiple submitters, no conflicts (2 of 4 stars). 3 submissions from 3 submitters: Pathogenic (3). Last evaluated 2025-09-24.

Conditions:
Hereditary cancer-predisposing syndrome. Also called: Neoplastic Syndromes, Hereditary; Hereditary Cancer Syndrome; Tumor predisposition; Hereditary neoplastic syndrome. Identifiers: Orphanet 140162, MedGen C0027672, MeSH D009386, MONDO:0015356.
Lynch syndrome 5 (LYNCH5). Also called: Colorectal cancer, hereditary nonpolyposis, type 5; Hereditary non-polyposis colorectal cancer, type 5. Identifiers: Orphanet 144, MedGen C1833477, MONDO:0013710, OMIM 614350. Disease mechanism: loss of function.

Submissions (3):

Ambry Genetics
Classification: Pathogenic for Hereditary cancer-predisposing syndrome. Last evaluated: 2025-09-24. Review status: criteria provided, single submitter. Criteria: Ambry Variant Classification Scheme 2023. Collection method: clinical testing. Allele origin: germline.
Comment: The c.233_254dup22 variant, located in coding exon 1 of the MSH6 gene, results from a duplication of GATCGGTAGCGCCTGCTGCCCC at nucleotide position 233, causing a translational frameshift with a predicted alternate stop codon (p.T86Ifs*11). This variant is considered to be rare based on population cohorts in the Genome Aggregation Database (gnomAD). This alteration is expected to result in loss of function by premature protein truncation or nonsense-mediated mRNA decay. As such, this alteration is interpreted as a disease-causing mutation.

Myriad Genetics, Inc.
Classification: Pathogenic for Lynch syndrome 5. Last evaluated: 2023-08-09. Review status: criteria provided, single submitter. Criteria: Myriad Autosomal Dominant, Autosomal Recessive and X-Linked Classification Criteria (2023). Collection method: clinical testing. Allele origin: unknown.
Comment: This variant is considered pathogenic. This variant creates a frameshift predicted to result in premature protein truncation.

GeneDx
Classification: Pathogenic. Last evaluated: 2017-11-30. Review status: criteria provided, single submitter. Criteria: GeneDx Variant Classification (06012015). Collection method: clinical testing. Allele origin: germline. Affected: yes.
Comment: This duplication of 22 nucleotides in MSH6 is denoted c.233_254dup22 at the cDNA level and p.Thr86IlefsX11 (T86IfsX11) at the protein level. The surrounding sequence is CGGA[dup22]CACC. The duplication causes a frameshift which changes a Threonine to an Isoleucine at codon 86, and creates a premature stop codon at position 11 of the new reading frame. Although this variant has not, to our knowledge, been reported in the literature, it is predicted to cause loss of normal protein function through either protein truncation or nonsense-mediated mRNA decay. We consider this variant to be pathogenic.

NM_000179.3(MSH6):c.233_254dup (p.Thr86fs)

Gene: MSH6 (mutS homolog 6; plus strand). Cytogenetic location: 2p16.3.
Variant type: Duplication.
Coding change: c.233_254dup on transcript NM_000179.3 (MANE Select); coding-DNA positions 233 to 254, 22 bases duplicated (GATCGGTAGCGCCTGCTGCCCC).
Protein change: p.Thr86fs; shifts the reading frame from threonine 86.
Molecular consequence: frameshift variant. On other transcripts: 5 prime UTR variant (1), splice donor variant (1).
Genome position (GRCh38, 1-based): chr2:47,783,466-47,783,487, GATCGGTAGCGCCTGCTGCCCC duplicated. VCF-style (leftmost placement, unchanged base first): chr2-47783465-A-AGATCGGTAGCGCCTGCTGCCCC. GRCh37 (hg19) VCF-style: chr2-48010604-A-AGATCGGTAGCGCCTGCTGCCCC.
Other names: c.-504_-483dup (NM_001281493.2); c.233_237+17dup (NM_001281492.2); c.233_254dupGATCGGTAGCGCCTGCTGCCCC (NM_000179.2); short protein forms T86fs.
Identifiers: ClinVar variation 545789 (VCV000545789.4), dbSNP rs1553408413, ClinGen allele CA658823252.